The following is an entry in ClinVar:

ClinVar aggregate classification (germline): Uncertain significance (1 of 4 stars; one submission).

Allele frequency attached by ClinVar (database versions not stated): TOPMed below 0.00001.
gnomAD v4.1: 12 of 1,607,176 alleles (0.00075%); highest among the groups gnomAD compares: Middle Eastern, 0.017%; no homozygotes.

Submission:

Labcorp Genetics (formerly Invitae), Labcorp
Classification: Uncertain significance. Last evaluated: 2025-12-11. Review status: criteria provided, single submitter. Criteria: Invitae Variant Classification Sherloc (09022015). Collection method: clinical testing. Allele origin: germline.
Comment: This sequence change creates a premature translational stop signal (p.Arg155*) in the POLR3F gene. It is expected to result in an absent or disrupted protein product. However, the current clinical and genetic evidence is not sufficient to establish whether loss-of-function variants in POLR3F cause disease. This variant is present in population databases (rs769797594, gnomAD 0.004%). This variant has not been reported in the literature in individuals affected with POLR3F-related conditions. ClinVar contains an entry for this variant (Variation ID: 2085795). In summary, the available evidence is currently insufficient to determine the role of this variant in disease. Therefore, it has been classified as a Variant of Uncertain Significance.

NM_006466.4(POLR3F):c.586C>T (p.Arg196Ter)

Gene: POLR3F (RNA polymerase III subunit F; plus strand). Cytogenetic location: 20p11.23.
Variant type: single nucleotide variant.
Coding change: c.586C>T on transcript NM_006466.4 (MANE Select); coding-DNA position 586, C replaced by T.
Protein change: p.Arg196Ter; replaces arginine 196 with a stop codon.
Molecular consequence: nonsense. On other transcripts: non-coding transcript variant (1).
Genome position (GRCh38, 1-based): chr20:18,480,414, C>T. VCF-style: chr20-18480414-C-T. GRCh37 (hg19) VCF-style: chr20-18461058-C-T.
Other names: c.463C>T, p.Arg155Ter (NM_001282526.2); c.442C>T, p.Arg148Ter (NM_001410821.1); short protein forms R148*, R196*, R155*.
Identifiers: ClinVar variation 2085795 (VCV002085795.4), dbSNP rs769797594, ClinGen allele CA9777561.
Genomic context (GRCh38, chr20:18,480,414, plus strand): 5'-AACACACCAATATTCTTATTTACATTTCTTATGTTTCAATCCTTATAGGCAGAAACAGCA[C>T]GAGAAAGCAAACAGAACCCAATGATACAAAGAAATAGTTCATTTGCCTCATCACATGAAG-3'